The following is an entry in ClinVar:

ClinVar aggregate classification (germline): Conflicting classifications of pathogenicity. Review status: criteria provided, conflicting classifications (1 of 4 stars). 5 submissions from 5 submitters: Likely pathogenic (1); Uncertain significance (3). 1 of the submissions does not count toward it. Last evaluated 2026-08-12.

Conditions:
MAN2B1-related disorder. Also called: MAN2B1-related condition.
Deficiency of alpha-mannosidase (MANSA). Also called: LYSOSOMAL ALPHA-D-MANNOSIDASE DEFICIENCY; Alpha-Mannosidosis; Mannosidosis, alpha-, types I and II. Identifiers: Orphanet 61, MedGen C0024748, MONDO:0009561, OMIM 248500.

Allele frequency attached by ClinVar (database versions not stated): TOPMed 0.00001; ExAC 0.00002; gnomAD exomes 0.00002; gnomAD 0.00003; ESP Exome Variant Server 0.00008.
gnomAD v4.1: 23 of 1,614,074 alleles (0.0014%); highest among the groups gnomAD compares: Non-Finnish European, 0.0019%; no homozygotes.

Submissions (5):

PreventionGenetics, part of Exact Sciences
Classification: Uncertain significance for MAN2B1-related condition. Last evaluated: 2026-08-12. Review status: criteria provided, single submitter. Criteria: ACMG Guidelines, 2015. Collection method: clinical testing. Allele origin: germline.
Comment: The MAN2B1 c.1204G>A variant is predicted to result in the amino acid substitution p.Glu402Lys. This variant was reported in cis with a known pathogenic variant (c.1026+2T>G) in at least one individual with alpha mannosidosis and a second pathogenic variant on the other allele (Berg et al. 1999. PubMed ID: 9915946; Hansen et al. 2004. PubMed ID: 15035660; Riise Stensland et al. 2012. PubMed ID: 22161967). This variant was also reported in the compound heterozygous state with a different pathogenic variant in an individual with ataxia without mention of the c.1026+2T>G variant (Table S2, Benkirane et al. 2021. PubMed ID: 34234304). In a functional in vitro study this variant demonstrated similar localization to wildtype with activity intermediate to wildtype and other known pathogenic variants (Hansen et al. 2004. PubMed ID: 15035660). This variant is reported in 0.0047% of alleles in individuals of European (Non-Finnish) descent in gnomAD and has conflicting interpretations regarding its pathogenicity in ClinVar ranging from likely pathogenic to uncertain (Variation ID: 208283). At this time, the clinical significance of this variant is uncertain due to the absence of conclusive functional and genetic evidence.

Labcorp Genetics (formerly Invitae), Labcorp
Classification: Likely pathogenic for Deficiency of alpha-mannosidase. Last evaluated: 2025-12-02. Review status: criteria provided, single submitter. Criteria: Invitae Variant Classification Sherloc (09022015). Collection method: clinical testing. Allele origin: germline.
Comment: This sequence change replaces glutamic acid, which is acidic and polar, with lysine, which is basic and polar, at codon 402 of the MAN2B1 protein (p.Glu402Lys). This variant is present in population databases (rs370760999, gnomAD 0.005%). This missense change has been observed in individual(s) with alpha mannosidosis (PMID: 9915946, 34234304). In at least one individual the data is consistent with being in trans (on the opposite chromosome) from a pathogenic variant. ClinVar contains an entry for this variant (Variation ID: 208283). Invitae Evidence Modeling of protein sequence and biophysical properties (such as structural, functional, and spatial information, amino acid conservation, physicochemical variation, residue mobility, and thermodynamic stability) indicates that this missense variant is not expected to disrupt MAN2B1 protein function with a negative predictive value of 95%. Experimental studies have shown that this missense change affects MAN2B1 function (PMID: 15035660). In summary, the currently available evidence indicates that the variant is pathogenic, but additional data are needed to prove that conclusively. Therefore, this variant has been classified as Likely Pathogenic.

Fulgent Genetics
Classification: Uncertain significance for Deficiency of alpha-mannosidase. Last evaluated: 2021-07-14. Review status: criteria provided, single submitter. Criteria: ACMG Guidelines, 2015. Collection method: clinical testing. Allele origin: unknown.

Mayo Clinic Laboratories, Mayo Clinic
Classification: Uncertain significance. Last evaluated: 2020-01-13. Review status: criteria provided, single submitter. Criteria: ACMG Guidelines, 2015. Collection method: clinical testing. Allele origin: germline. Observed: 1 variant allele.

ClinVar Staff, National Center for Biotechnology Information (NCBI)
Classification: Uncertain significance for Deficiency of alpha-mannosidase. Last evaluated: 2012-06-07. Review status: no assertion criteria provided. Collection method: literature only. Allele origin: germline. Affected: yes. Not counted in ClinVar's aggregate classification.

Literature cited by the submitters: PubMed 9915946 (cited by Labcorp Genetics (formerly Invitae), Labcorp and ClinVar Staff, National Center for Biotechnology Information (NCBI)); PubMed 34234304 (cited by Labcorp Genetics (formerly Invitae), Labcorp); PubMed 15035660 (cited by Labcorp Genetics (formerly Invitae), Labcorp).

NM_000528.4(MAN2B1):c.1204G>A (p.Glu402Lys)

Gene: MAN2B1 (mannosidase alpha class 2B member 1; minus strand). Cytogenetic location: 19p13.13.
Variant type: single nucleotide variant.
Coding change: c.1204G>A on transcript NM_000528.4 (MANE Select); coding-DNA position 1204, G replaced by A.
Protein change: p.Glu402Lys; replaces glutamic acid 402 with lysine.
Molecular consequence: missense variant.
Genome position (GRCh38, 1-based): chr19:12,658,250, C>T on the plus strand (G>A on the coding strand, the complement: MAN2B1 is on the minus strand). VCF-style: chr19-12658250-C-T. GRCh37 (hg19) VCF-style: chr19-12769064-C-T.
Other names: c.1201G>A, p.Glu401Lys (NM_001173498.2); short protein forms E402K, E401K.
Identifiers: ClinVar variation 208283 (VCV000208283.12), dbSNP rs370760999, ClinGen allele CA350885.